The following is an entry in ClinVar:

NM_006206.6(PDGFRA):c.2941C>A (p.Arg981Ser)

Gene: PDGFRA (platelet derived growth factor receptor alpha; plus strand). Cytogenetic location: 4q12.
Variant type: single nucleotide variant.
Coding change: c.2941C>A on transcript NM_006206.6 (MANE Select); coding-DNA position 2941, C replaced by A.
Protein change: p.Arg981Ser; replaces arginine 981 with serine.
Molecular consequence: missense variant.
Genome position (GRCh38, 1-based): chr4:54,290,373, C>A. VCF-style: chr4-54290373-C-A. GRCh37 (hg19) VCF-style: chr4-55156540-C-A.
Other names: c.2980C>A, p.Arg994Ser (NM_001347830.2); c.3016C>A, p.Arg1006Ser (NM_001347828.2); c.2941C>A, p.Arg981Ser (NM_001347829.2); short protein forms R1006S, R981S, R994S.
Identifiers: ClinVar variation 4861745 (VCV004861745.1).

ClinVar aggregate classification (germline): Uncertain significance (1 of 4 stars; one submission).

Conditions:
Hereditary cancer-predisposing syndrome. Also called: Neoplastic Syndromes, Hereditary; Tumor predisposition; Hereditary Cancer Syndrome; Hereditary neoplastic syndrome. Identifiers: Orphanet 140162, MedGen C0027672, MeSH D009386, MONDO:0015356.

Submission:

Ambry Genetics
Classification: Uncertain significance for Hereditary cancer-predisposing syndrome. Last evaluated: 2026-05-21. Review status: criteria provided, single submitter. Criteria: Ambry Variant Classification Scheme 2023. Collection method: clinical testing. Allele origin: germline.
Comment: The p.R981S variant (also known as c.2941C>A), located in coding exon 21 of the PDGFRA gene, results from a C to A substitution at nucleotide position 2941. The arginine at codon 981 is replaced by serine, an amino acid with dissimilar properties. This amino acid position is well conserved in available vertebrate species. In addition, this alteration is predicted to be tolerated by in silico analysis. Based on the available evidence, the clinical significance of this variant remains unclear.